The following is an entry in ClinVar:

ClinVar aggregate classification (germline): Conflicting classifications of pathogenicity. Review status: criteria provided, conflicting classifications (1 of 4 stars). 2 submissions from 2 submitters: Uncertain significance (1); Likely benign (1). Last evaluated 2025-03-21.

Conditions:
Inborn genetic diseases. Identifiers: MedGen C0950123, MeSH D030342.

Allele frequency attached by ClinVar (database versions not stated): gnomAD exomes 0.00001; ExAC 0.00002.

Submissions (2):

Ambry Genetics
Classification: Likely benign for Inborn genetic diseases. Last evaluated: 2025-03-21. Review status: criteria provided, single submitter. Criteria: Ambry Variant Classification Scheme 2023. Collection method: clinical testing. Allele origin: germline.

Labcorp Genetics (formerly Invitae), Labcorp
Classification: Uncertain significance. Last evaluated: 2021-08-19. Review status: criteria provided, single submitter. Criteria: Invitae Variant Classification Sherloc (09022015). Collection method: clinical testing. Allele origin: germline.
Comment: This sequence change replaces isoleucine with valine at codon 632 of the ORC1 protein (p.Ile632Val). The isoleucine residue is weakly conserved and there is a small physicochemical difference between isoleucine and valine. This variant is present in population databases (rs754999613, ExAC 0.02%). This variant has not been reported in the literature in individuals affected with ORC1-related conditions. Algorithms developed to predict the effect of missense changes on protein structure and function output the following: SIFT: "Tolerated"; PolyPhen-2: "Benign"; Align-GVGD: "Class C0". The valine amino acid residue is found in multiple mammalian species, which suggests that this missense change does not adversely affect protein function. Algorithms developed to predict the effect of sequence changes on RNA splicing suggest that this variant may create or strengthen a splice site. In summary, the available evidence is currently insufficient to determine the role of this variant in disease. Therefore, it has been classified as a Variant of Uncertain Significance.

NM_004153.4(ORC1):c.1894A>G (p.Ile632Val)

Gene: ORC1 (origin recognition complex subunit 1; minus strand). Cytogenetic location: 1p32.3.
Variant type: single nucleotide variant.
Coding change: c.1894A>G on transcript NM_004153.4 (MANE Select); coding-DNA position 1894, A replaced by G.
Protein change: p.Ile632Val; replaces isoleucine 632 with valine.
Molecular consequence: missense variant.
Genome position (GRCh38, 1-based): chr1:52,383,539, T>C on the plus strand (A>G on the coding strand, the complement: ORC1 is on the minus strand). VCF-style: chr1-52383539-T-C. GRCh37 (hg19) VCF-style: chr1-52849211-T-C.
Other names: c.1894A>G, p.Ile632Val (NM_001190818.2); c.1879A>G, p.Ile627Val (NM_001190819.2); c.1894A>G (NM_004153.3); short protein forms I632V, I627V.
Identifiers: ClinVar variation 1461141 (VCV001461141.7), dbSNP rs754999613, ClinGen allele CA853175.
Genomic context (GRCh38, chr1:52,383,539, plus strand): 5'-TTGCCAGGACCACAAGCCGGGCCTCCTTATGAGTGGGCCAGTCAAAGAGATTGTACATTA[T>C]GTCTTGTTTGTGAGTCCACAGAAGGTCGAGCTGCCAGGGCAAAGGAGAGAGGTGCAGAGT-3'
Protein context (NP_004144.2, residues 622-642): LDLLWTHKQD[Ile632Val]MYNLFDWPTH